The following is an entry in ClinVar:

NM_203446.3(SYNJ1):c.*598C>A

Gene: SYNJ1 (synaptojanin 1; minus strand). Cytogenetic location: 21q22.11.
Variant type: single nucleotide variant.
Coding change: c.*598C>A on transcript NM_203446.3 (MANE Select); 598 bases downstream of the stop codon, C replaced by A.
Molecular consequence: 3 prime UTR variant. On other transcripts: missense variant (2).
Genome position (GRCh38, 1-based): chr21:32,631,207, G>T on the plus strand (C>A on the coding strand, the complement: SYNJ1 is on the minus strand). VCF-style: chr21-32631207-G-T. GRCh37 (hg19) VCF-style: chr21-34003517-G-T.
Other names: p.Leu1543Met; c.*598C>A (NM_001160302.2); c.4369C>A, p.Leu1457Met (NM_001160306.2); c.4627C>A, p.Leu1543Met (NM_003895.4); short protein forms L1457M, L1543M.
Identifiers: ClinVar variation 1059323 (VCV001059323.8), dbSNP rs770865984, ClinGen allele CA10003080.

ClinVar aggregate classification (germline): Uncertain significance. Review status: criteria provided, multiple submitters, no conflicts (2 of 4 stars). 3 submissions from 3 submitters: Uncertain significance (3). Last evaluated 2025-11-01.

Conditions:
Early-onset Parkinson disease 20. Also called: PARKINSON DISEASE 20, AUTOSOMAL RECESSIVE EARLY-ONSET. Identifiers: Orphanet 391411, MedGen C3809824, MONDO:0014233, OMIM 615530.
Developmental and epileptic encephalopathy, 53. Also called: Epileptic encephalopathy, early infantile, 53. Identifiers: MedGen C4479313, MONDO:0033362, OMIM 617389.

Allele frequency attached by ClinVar (database versions not stated): TOPMed 0.00002; gnomAD 0.00003.
gnomAD v4.1: 146 of 1,614,072 alleles (0.009%); highest among the groups gnomAD compares: Non-Finnish European, 0.012%; no homozygotes.

Submissions (3):

Mayo Clinic Laboratories, Mayo Clinic
Classification: Uncertain significance. Last evaluated: 2025-11-01. Review status: criteria provided, single submitter. Criteria: ACMG Guidelines, 2015. Collection method: clinical testing. Allele origin: germline. Observed: 1 variant allele.
Comment: BP4_moderate, PM2_supporting

Blueprint Genetics
Classification: Uncertain significance. Last evaluated: 2024-06-07. Review status: criteria provided, single submitter. Criteria: ACMG Guidelines, 2015. Collection method: clinical testing. Allele origin: germline.

Labcorp Genetics (formerly Invitae), Labcorp
Classification: Uncertain significance for Developmental and epileptic encephalopathy, 53; Early-onset Parkinson disease 20. Last evaluated: 2022-09-07. Review status: criteria provided, single submitter. Criteria: Invitae Variant Classification Sherloc (09022015). Collection method: clinical testing. Allele origin: germline.
Comment: This sequence change replaces leucine, which is neutral and non-polar, with methionine, which is neutral and non-polar, at codon 1543 of the SYNJ1 protein (p.Leu1543Met). This variant is present in population databases (rs770865984, gnomAD 0.009%). This variant has not been reported in the literature in individuals affected with SYNJ1-related conditions. ClinVar contains an entry for this variant (Variation ID: 1059323). Algorithms developed to predict the effect of missense changes on protein structure and function (SIFT, PolyPhen-2, Align-GVGD) all suggest that this variant is likely to be tolerated. In summary, the available evidence is currently insufficient to determine the role of this variant in disease. Therefore, it has been classified as a Variant of Uncertain Significance.